The following is an entry in ClinVar:

ClinVar aggregate classification (germline): Pathogenic/Likely pathogenic. Review status: criteria provided, multiple submitters, no conflicts (2 of 4 stars). 4 submissions from 4 submitters: Pathogenic (3); Likely pathogenic (1). Last evaluated 2025-04-01.

Conditions:
USH2A-related disorder. Also called: USH2A-related disorders; USH2A-related condition. Identifiers: MedGen CN239332.
Usher syndrome type 2A. Also called: RETINAL DISEASE IN USHER SYNDROME TYPE IIA, MODIFIER OF; USHER SYNDROME, TYPE IIA. Identifiers: Orphanet 231178, Orphanet 886, MedGen C1848634, MONDO:0010169, OMIM 276901.
Retinitis pigmentosa 39 (RP39). Identifiers: Orphanet 791, MedGen C3151138, MONDO:0013436, OMIM 613809.

Submissions (4):

Labcorp Genetics (formerly Invitae), Labcorp
Classification: Pathogenic. Last evaluated: 2025-04-01. Review status: criteria provided, single submitter. Criteria: Invitae Variant Classification Sherloc (09022015). Collection method: clinical testing. Allele origin: germline.
Comment: This sequence change affects a donor splice site in intron 13 of the USH2A gene. It is expected to disrupt RNA splicing. Variants that disrupt the donor or acceptor splice site typically lead to a loss of protein function (PMID: 16199547), and loss-of-function variants in USH2A are known to be pathogenic (PMID: 10729113, 10909849, 20507924, 25649381). This variant is not present in population databases (gnomAD no frequency). Disruption of this splice site has been observed in individual(s) with Usher syndrome (PMID: 24944099, 26969326). ClinVar contains an entry for this variant (Variation ID: 1066803). Algorithms developed to predict the effect of sequence changes on RNA splicing suggest that this variant may disrupt the consensus splice site. For these reasons, this variant has been classified as Pathogenic.

Natera, Inc.
Classification: Pathogenic for Usher syndrome type 2A. Last evaluated: 2025-01-30. Review status: criteria provided, single submitter. Criteria: Natera Variant Classification Schema (03/2026). Collection method: clinical testing. Allele origin: germline.
Comment: The c.2809+1G>C variant in USH2A is a canonical splice donor site variant predicted to affect pre-mRNA splicing, which may result in an abnormal transcript and altered protein product. This variant is expected to result in nonsense mediated decay, truncation, or a dysfunctional protein product. This variant is rare in the general population with a frequency below the threshold expected for the associated phenotype(s). Another variant at this same site results in an alteration predicted to cause a similar molecular effect has been observed in individual(s) with the associated phenotype. Given the available evidence, this variant is classified as Pathogenic.

Blueprint Genetics
Classification: Pathogenic for USH2A-related disorders. Last evaluated: 2024-09-04. Review status: criteria provided, single submitter. Criteria: ACMG Guidelines, 2015. Collection method: clinical testing. Allele origin: germline. Affected: yes. Observed: 1 variant allele.

Baylor Genetics
Classification: Likely pathogenic for Retinitis pigmentosa 39. Last evaluated: 2024-02-07. Review status: criteria provided, single submitter. Criteria: ACMG Guidelines, 2015. Collection method: clinical testing. Allele origin: unknown.

Literature cited by the submitters: PubMed 16199547 (cited by Labcorp Genetics (formerly Invitae), Labcorp); PubMed 10729113 (cited by Labcorp Genetics (formerly Invitae), Labcorp); PubMed 10909849 (cited by Labcorp Genetics (formerly Invitae), Labcorp); PubMed 20507924 (cited by Labcorp Genetics (formerly Invitae), Labcorp); PubMed 25649381 (cited by Labcorp Genetics (formerly Invitae), Labcorp); PubMed 24944099 (cited by Labcorp Genetics (formerly Invitae), Labcorp); PubMed 26969326 (cited by Labcorp Genetics (formerly Invitae), Labcorp).

NM_206933.4(USH2A):c.2809+1G>C

Genes: USH2A (usherin; minus strand), LOC122152296 (Sharpr-MPRA regulatory region 8762; plus strand). Cytogenetic location: 1q41.
Variant type: single nucleotide variant.
Coding change: c.2809+1G>C on transcript NM_206933.4 (MANE Select); the canonical splice donor site of the intron after coding-DNA position 2809, G replaced by C.
Molecular consequence: splice donor variant.
Genome position (GRCh38, 1-based): chr1:216,246,584, C>G on the plus strand (G>C on the coding strand, the complement: USH2A is on the minus strand). VCF-style: chr1-216246584-C-G. GRCh37 (hg19) VCF-style: chr1-216419926-C-G.
Other names: c.2809+1G>C (NM_206933.2, NM_007123.6).
Identifiers: ClinVar variation 1066803 (VCV001066803.12), dbSNP rs759433119, ClinGen allele CA344863988.
Genomic context (GRCh38, chr1:216,246,584, plus strand): 5'-TACCTAAGTTAACAAAAGGAATGTCATTGTGCACTGAAAATGTAATACATTTCTTTCTTA[C>G]CTGGTTGACACTGATTACACCTTCTTCCTTGACGATTAGGCACACACAGGCACTGGCCAC-3'